The following is an entry in ClinVar:

ClinVar aggregate classification (germline): Uncertain significance. Review status: criteria provided, multiple submitters, no conflicts (2 of 4 stars). 3 submissions from 3 submitters: Uncertain significance (3). Last evaluated 2026-06-11.

Conditions:
Chédiak-Higashi syndrome (CHS). Also called: Chediak-Higashi Syndrome. Identifiers: Orphanet 167, MedGen C0007965, MONDO:0008963, OMIM 214500.

Allele frequency attached by ClinVar (database versions not stated): gnomAD 0.00001; gnomAD exomes 0.00001.
gnomAD v4.1: 11 of 1,613,374 alleles (0.00068%); highest among the groups gnomAD compares: South Asian, 0.0011%; no homozygotes.

Submissions (3):

Women's Health and Genetics/Laboratory Corporation of America, LabCorp
Classification: Uncertain significance. Last evaluated: 2026-06-11. Review status: criteria provided, single submitter. Criteria: LabCorp Variant Classification Summary - May 2015. Collection method: clinical testing. Allele origin: germline.
Comment: Variant summary: LYST c.5890C>T (p.His1964Tyr) results in a conservative amino acid change in the encoded protein sequence. Algorithms developed to predict the effect of missense changes on protein structure and function are either unavailable or do not agree on the potential impact of this missense change. The variant allele was found at a frequency of 8e-06 in 251130 control chromosomes. The available data on variant occurrences in the general population are insufficient to allow any conclusion about variant significance. To our knowledge, no occurrence of c.5890C>T in individuals affected with LYST-related conditions and no experimental evidence demonstrating its impact on protein function have been reported. ClinVar contains an entry for this variant (Variation ID: 1508261). Based on the evidence outlined above, the variant was classified as uncertain significance.

Mayo Clinic Laboratories, Mayo Clinic
Classification: Uncertain significance. Last evaluated: 2025-05-11. Review status: criteria provided, single submitter. Criteria: ACMG Guidelines, 2015. Collection method: clinical testing. Allele origin: germline. Observed: 1 variant allele.

Labcorp Genetics (formerly Invitae), Labcorp
Classification: Uncertain significance for Chédiak-Higashi syndrome. Last evaluated: 2024-07-01. Review status: criteria provided, single submitter. Criteria: Invitae Variant Classification Sherloc (09022015). Collection method: clinical testing. Allele origin: germline.
Comment: This sequence change replaces histidine, which is basic and polar, with tyrosine, which is neutral and polar, at codon 1964 of the LYST protein (p.His1964Tyr). This variant is present in population databases (no rsID available, gnomAD 0.002%). This variant has not been reported in the literature in individuals affected with LYST-related conditions. ClinVar contains an entry for this variant (Variation ID: 1508261). Advanced modeling of protein sequence and biophysical properties (such as structural, functional, and spatial information, amino acid conservation, physicochemical variation, residue mobility, and thermodynamic stability) performed at Invitae indicates that this missense variant is not expected to disrupt LYST protein function with a negative predictive value of 80%. In summary, the available evidence is currently insufficient to determine the role of this variant in disease. Therefore, it has been classified as a Variant of Uncertain Significance.

NM_000081.4(LYST):c.5890C>T (p.His1964Tyr)

Gene: LYST (lysosomal trafficking regulator; minus strand). Cytogenetic location: 1q42.3.
Variant type: single nucleotide variant.
Coding change: c.5890C>T on transcript NM_000081.4 (MANE Select); coding-DNA position 5890, C replaced by T.
Protein change: p.His1964Tyr; replaces histidine 1964 with tyrosine.
Molecular consequence: missense variant.
Genome position (GRCh38, 1-based): chr1:235,770,192, G>A on the plus strand (C>T on the coding strand, the complement: LYST is on the minus strand). VCF-style: chr1-235770192-G-A. GRCh37 (hg19) VCF-style: chr1-235933492-G-A.
Other names: p.His1964Tyr; c.5890C>T, p.His1964Tyr (NM_001301365.1); short protein forms H1964Y.
Identifiers: ClinVar variation 1508261 (VCV001508261.9), dbSNP rs907054312, ClinGen allele CA39620185.